The following is an entry in ClinVar:

ClinVar aggregate classification (germline): Pathogenic/Likely pathogenic. Review status: criteria provided, multiple submitters, no conflicts (2 of 4 stars). 2 submissions from 2 submitters: Pathogenic (1); Likely pathogenic (1). Last evaluated 2025-04-14.

Conditions:
Marfan syndrome (MFS). Also called: MARFAN SYNDROME, TYPE I; Marfan syndrome type 1; Marfan's syndrome; Marfan syndrome, classic; FBN1-Related Marfan Syndrome. Identifiers: Orphanet 284963, Orphanet 558, MedGen C0024796, MONDO:0007947, OMIM 154700.
Familial thoracic aortic aneurysm and aortic dissection (TAAD). Also called: Thoracic aortic aneurysms and dissections. Identifiers: Orphanet 91387, MedGen C4707243, MONDO:0019625.

Submissions (2):

3billion
Classification: Pathogenic for Marfan syndrome. Last evaluated: 2025-04-14. Review status: criteria provided, single submitter. Criteria: ACMG Guidelines, 2015. Collection method: clinical testing. Allele origin: germline. Affected: yes.
Comment: The variant is not observed in the gnomAD v4.1.0 dataset. Predicted Consequence/Location: Canonical splice site: predicted to alter splicing and result in a loss or disruption of normal protein function. Multiple pathogenic loss-of-function variants are reported downstream of the variant. In silico tools predict the variant to alter splicing and produce an abnormal transcript [SpliceAI: 0.98 (spliceogenicity >=0.2, non-spliceogenicity <0.1)]. The variant has been reported to be associated with FBN1-related disorder (ClinVar ID: VCV001480279 / PMID: 27906200). Therefore, this variant is classified as Pathogenic according to the recommendation of ACMG/AMP guideline.

Labcorp Genetics (formerly Invitae), Labcorp
Classification: Likely pathogenic for Marfan syndrome; Familial thoracic aortic aneurysm and aortic dissection. Last evaluated: 2020-12-25. Review status: criteria provided, single submitter. Criteria: Invitae Variant Classification Sherloc (09022015). Collection method: clinical testing. Allele origin: germline.
Comment: This sequence change affects an acceptor splice site in intron 38 of the FBN1 gene. It is expected to disrupt RNA splicing. Variants that disrupt the donor or acceptor splice site typically lead to a loss of protein function (PMID: 16199547), and loss-of-function variants in FBN1 are known to be pathogenic (PMID: 17657824, 19293843). This variant is not present in population databases (ExAC no frequency). This variant has been observed in individual(s) with Marfan syndrome (PMID: 27906200). Algorithms developed to predict the effect of sequence changes on RNA splicing suggest that this variant may disrupt the consensus splice site, but this prediction has not been confirmed by published transcriptional studies. In summary, the currently available evidence indicates that the variant is pathogenic, but additional data are needed to prove that conclusively. Therefore, this variant has been classified as Likely Pathogenic.

Literature cited by the submitters: PubMed 27906200 (cited by 3billion and Labcorp Genetics (formerly Invitae), Labcorp); PubMed 16199547 (cited by Labcorp Genetics (formerly Invitae), Labcorp); PubMed 17657824 (cited by Labcorp Genetics (formerly Invitae), Labcorp); PubMed 19293843 (cited by Labcorp Genetics (formerly Invitae), Labcorp).

NM_000138.5(FBN1):c.4748-2A>G

Gene: FBN1 (fibrillin 1; minus strand). Cytogenetic location: 15q21.1.
Variant type: single nucleotide variant.
Coding change: c.4748-2A>G on transcript NM_000138.5 (MANE Select); the canonical splice acceptor site of the intron before coding-DNA position 4748, A replaced by G.
Molecular consequence: splice acceptor variant.
Genome position (GRCh38, 1-based): chr15:48,465,860, T>C on the plus strand (A>G on the coding strand, the complement: FBN1 is on the minus strand). VCF-style: chr15-48465860-T-C. GRCh37 (hg19) VCF-style: chr15-48758057-T-C.
Other names: c.4748-2A>G (NM_001406716.1).
Identifiers: ClinVar variation 1480279 (VCV001480279.9), dbSNP rs2141270032, ClinGen allele CA392351900.